The following is an entry in ClinVar:

ClinVar aggregate classification (germline): Pathogenic. Review status: criteria provided, multiple submitters, no conflicts (2 of 4 stars). 11 submissions from 11 submitters: Pathogenic (8). 3 of the submissions do not count toward it. Last evaluated 2026-01-26.

Conditions:
Inborn genetic diseases. Identifiers: MedGen C0950123, MeSH D030342.
ITPR1-related disorders.
Gillespie syndrome (GLSP). Also called: Aniridia, cerebellar ataxia, and mental deficiency; Aniridia-cerebellar ataxia-intellectual disability syndrome. Identifiers: Orphanet 1065, MedGen C0431401, MONDO:0008795, OMIM 206700.

Submissions (11):

Medical and Scientific Branch, Hong Kong Genome Institute
Classification: Pathogenic for Gillespie syndrome. Last evaluated: 2026-01-26. Review status: criteria provided, single submitter. Criteria: ACMG Guidelines, 2015. Collection method: clinical testing. Allele origin: de novo. Affected: yes.

Division of Genetic & Genomic Pathology, Hong Kong Children's Hospital
Classification: Pathogenic for Gillespie syndrome. Last evaluated: 2025-12-09. Review status: criteria provided, single submitter. Criteria: ACMG Guidelines, 2015. Collection method: clinical testing. Allele origin: de novo. Affected: yes.
Comment: ITPR1 c.7831_7833del (p.Lys2611del) is a three base-pair deletion in exon 59 of 62 of the canonical transcript of the ITPR3 gene, within the transmembrane channel domain. The variant is expected to remove a single conserved amino acid from the protein, without introducing frameshift. It is absent from population control databases (gnomAD v 2.1.1 and v4.1.0). The variant has been submitted as pathogenic to ClinVar (VCV000235919.12) and to HGMD (v2025.1, CD1515042). Heterozygous ITPR1 c.7831_7833del (p.Lys2611del) has been reported de novo in numerous independent cases of Gillespie syndrome (PMIDs: 25356970, 27108798, 29925855), and with unknown inheritance in other cases of Gillespie syndrome (PMID: 30249237). In vitro data suggests an impact on ITPR1 expression (PMID: 27108798). For these reasons, ITPR1 c.7831_7833del (p.Lys2611del) is a pathogenic variant.

GeneDx
Classification: Pathogenic. Last evaluated: 2023-12-16. Review status: criteria provided, single submitter. Criteria: GeneDx Variant Classification Process June 2021. Collection method: clinical testing. Allele origin: germline. Affected: yes.
Comment: Published functional studies demonstrate a damaging effect on calcium release channels (PMID: 27108797); In-frame deletion of 1 amino acid in a non-repeat region; Not observed at significant frequency in large population cohorts (gnomAD); This variant is associated with the following publications: (PMID: 35118825, 27108798, 25356970, 29925855, 30249237, 28698159, 32637629, 31785789, 27108797)

Labcorp Genetics (formerly Invitae), Labcorp
Classification: Pathogenic. Last evaluated: 2022-08-17. Review status: criteria provided, single submitter. Criteria: Invitae Variant Classification Sherloc (09022015). Collection method: clinical testing. Allele origin: germline.
Comment: This variant, c.7642_7644del, results in the deletion of 1 amino acid(s) of the ITPR1 protein (p.Lys2548del), but otherwise preserves the integrity of the reading frame. This variant is not present in population databases (gnomAD no frequency). This variant has been observed in individual(s) with autosomal dominant Gillespie syndrome (PMID: 27108797, 27108798, 30249237). In at least one individual the variant was observed to be de novo. This variant is also known as c.7687_7689del; p.Lys2596del. ClinVar contains an entry for this variant (Variation ID: 235919). For these reasons, this variant has been classified as Pathogenic. Experimental studies have shown that this variant affects ITPR1 function (PMID: 27108797). Algorithms developed to predict the effect of variants on protein structure and function are not available or were not evaluated for this variant.

Blueprint Genetics
Classification: Pathogenic for ITPR1-related disorders. Last evaluated: 2019-10-23. Review status: criteria provided, single submitter. Criteria: ACMG Guidelines, 2015. Collection method: clinical testing. Allele origin: germline. Affected: yes. Observed: 2 variant alleles.

Ambry Genetics
Classification: Pathogenic for Inborn genetic diseases. Last evaluated: 2018-05-14. Review status: criteria provided, single submitter. Criteria: Ambry exome assertion method (8-5-2015). Collection method: clinical testing. Allele origin: germline. Affected: yes. Observed: 2 variant alleles.

Schule lab, Hertie Institute for Clinical Brain Research
Classification: Pathogenic for Gillespie syndrome. Last evaluated: 2018-02-09. Review status: criteria provided, single submitter. Criteria: Synofzik et al. (Eur J Hum Genet. 2018). Collection method: research. Allele origin: de novo. Affected: yes. Observed: 1 variant allele.

Imagene.me medical diagnostic laboratory, IMAGENE.ME SA
Classification: Pathogenic for Gillespie syndrome. Review status: criteria provided, single submitter. Criteria: IMAGENE.ME Variant Classification SOP 2022. Collection method: clinical testing. Allele origin: de novo. Affected: yes.
Comment: Classified according to the IMAGENE.ME variant classification SOP based on the ACMG guidelines as Pathogenic (P): PS2_Strong + PS3_Supporting + PS4_Moderate + PM2 + PM4_Supporting + PP4_Moderate + PP5

Diagnostics Centre, Carl Von Ossietzky University Oldenburg
Classification: Pathogenic for Gillespie syndrome. Last evaluated: 2024-07-09. Review status: no assertion criteria provided. Collection method: clinical testing. Allele origin: germline. Affected: yes. Observed: 1 variant allele. Not counted in ClinVar's aggregate classification.
Comment: The variant causes a change in protein length as a result of an in-frame deletion of one aminoacid at protein position 2611. The variant has furthermore been reported de novo in multiple patients affected with Gillespie Syndrome (PMID: 27108797, 27108798). Experimental studies demonstrated that the variant causes a deleterious effect on protein function by affecting the calcium release channels on ITPR1 structure (PMID: 27108797). The variant is likely to be associated to the disease and has been reported in multiple unrelated individuals affected with Gillespie Syndrome. The variant has been classified in five entries in ClinVar as pathogenic (Clinvar ID: 235919). This variant is classified as very rare since it is absent in gnomAD v4.1.0. In summary, the variant is classified as pathogenic.

Department of Rehabilitation, Anhui Provincial Children's Hospital
Classification: Pathogenic for Gillespie syndrome. Last evaluated: 2023-12-04. Review status: no assertion criteria provided. Collection method: clinical testing. Allele origin: de novo. Affected: yes. Not counted in ClinVar's aggregate classification.
Comment: This variant is a deletion mutation, which results in a change in the length of the protein, but does not cause any alteration to the open reading frame.

OMIM
Classification: Pathogenic for GILLESPIE SYNDROME. Last evaluated: 2022-12-20. Review status: no assertion criteria provided. Collection method: literature only. Allele origin: germline. Not counted in ClinVar's aggregate classification.

Literature cited by the submitters: PubMed 25356970 (cited by Division of Genetic & Genomic Pathology, Hong Kong Children's Hospital and Ambry Genetics); PubMed 27108798 (cited by 5 submitters); PubMed 29925855 (cited by Division of Genetic & Genomic Pathology, Hong Kong Children's Hospital); PubMed 30249237 (cited by Division of Genetic & Genomic Pathology, Hong Kong Children's Hospital and Labcorp Genetics (formerly Invitae), Labcorp); PubMed 27108797 (cited by 4 submitters).

NM_001378452.1(ITPR1):c.7828AAG[1] (p.Lys2611del)

Genes: ITPR1 (inositol 1,4,5-trisphosphate receptor type 1; plus strand), LOC126806590 (MED14-independent group 3 enhancer GRCh37_chr3:4855759-4856958; plus strand). Cytogenetic location: 3p26.1.
Variant type: Microsatellite.
Coding change: c.7828AAG[1] on transcript NM_001378452.1 (MANE Select); one copy of the 3-base unit AAG starting at c.7828; the reference has two copies in a row; one copy, 3 bases deleted; also written c.7831_7833del.
Protein change: p.Lys2611del; deletes lysine 2611.
Molecular consequence: inframe deletion.
Genome position (GRCh38, 1-based): chr3:4,815,182-4,815,184, AAG deleted; deleting any 3 consecutive bases within chr3:4,815,177-4,815,184 gives the same sequence; the position shown is the placement nearest the transcript's 3' end. VCF-style (leftmost placement, unchanged base first): chr3-4815176-CAGA-C. GRCh37 (hg19) VCF-style: chr3-4856860-CAGA-C.
Other names: c.7642_7644delAAG (NM_002222.5); c.7684AAG[1], p.Lys2563del (NM_001099952.4); c.7783AAG[1], p.Lys2596del (NM_001168272.2); c.7639AAG[1], p.Lys2548del (NM_002222.7); c.7831_7833del (NM_001378452.1); c.7642_7644del (NM_002222.7); short protein forms K2563del, K2596del, K2548del, K2611del.
Identifiers: ClinVar variation 235919 (VCV000235919.17), dbSNP rs878853175, ClinGen allele CA10581495.